The following is an entry in ClinVar:

ClinVar aggregate classification (germline): Benign. Review status: criteria provided, multiple submitters, no conflicts (2 of 4 stars). 5 submissions from 5 submitters: Benign (4). 1 of the submissions does not count toward it. Last evaluated 2025-12-19.

Conditions:
Moyamoya disease 2 (MYMY2). Also called: MOYAMOYA DISEASE 2, SUSCEPTIBILITY TO. Identifiers: Orphanet 2573, MedGen C1846689, MONDO:0011784, OMIM 607151.

Allele frequency attached by ClinVar (database versions not stated): ESP Exome Variant Server 0.00669; gnomAD 0.00799 and 0.00877; TOPMed 0.00854; ExAC 0.00934; gnomAD exomes 0.01027 and 0.01082; 1000 Genomes Project 30x 0.01655; 1000 Genomes Project 0.01817.
gnomAD v4.1: 17,341 of 1,614,132 alleles (1.1%); highest among the groups gnomAD compares: East Asian, 5.6%; 175 homozygotes.

Submissions (5):

Labcorp Genetics (formerly Invitae), Labcorp
Classification: Benign. Last evaluated: 2025-12-19. Review status: criteria provided, single submitter. Criteria: Invitae Variant Classification Sherloc (09022015). Collection method: clinical testing. Allele origin: germline.

Mayo Clinic Laboratories, Mayo Clinic
Classification: Benign. Last evaluated: 2023-08-28. Review status: criteria provided, single submitter. Criteria: ACMG Guidelines, 2015. Collection method: clinical testing. Allele origin: germline. Observed: 6 variant alleles.
Comment: BA1, BS2, BP4

GeneDx
Classification: Benign. Last evaluated: 2020-12-10. Review status: criteria provided, single submitter. Criteria: GeneDx Variant Classification Process June 2021. Collection method: clinical testing. Allele origin: germline. Affected: yes.
Comment: This variant is associated with the following publications: (PMID: 29718794, 23110205, 27128593, 25964206)

Breakthrough Genomics
Classification: Benign. Review status: criteria provided, single submitter. Criteria: ACMG Guidelines, 2015. Collection method: not provided. Allele origin: germline. Inheritance: Autosomal dominant inheritance. Affected: yes.

UMR-S1161, Institut national de la santé et de la recherche médicale
Classification: Uncertain significance for Moyamoya disease 2. Last evaluated: 2017-03-03. Review status: no assertion criteria provided. Collection method: research. Allele origin: unknown. Affected: yes. Study: Rare RNF213 variants in Caucasian moyamoya patients. Not counted in ClinVar's aggregate classification.

Literature cited by the submitters: PubMed 23110205 (cited by Mayo Clinic Laboratories, Mayo Clinic); PubMed 29718794 (cited by Mayo Clinic Laboratories, Mayo Clinic); PubMed 34426522 (cited by Mayo Clinic Laboratories, Mayo Clinic).

NM_001256071.3(RNF213):c.13195G>A (p.Ala4399Thr)

Genes: RNF213 (ring finger protein 213; plus strand), RNF213-AS1 (RNF213 antisense RNA 1; minus strand). Cytogenetic location: 17q25.3.
Variant type: single nucleotide variant.
Coding change: c.13195G>A on transcript NM_001256071.3 (MANE Select); coding-DNA position 13195, G replaced by A.
Protein change: p.Ala4399Thr; replaces alanine 4399 with threonine.
Molecular consequence: missense variant.
Genome position (GRCh38, 1-based): chr17:80,376,310, G>A. VCF-style: chr17-80376310-G-A. GRCh37 (hg19) VCF-style: chr17-78350110-G-A.
Other names: p.Ala4399Thr; short protein forms A4399T.
Identifiers: ClinVar variation 417853 (VCV000417853.13), dbSNP rs148731719, ClinGen allele CA8822504.